The following is an entry in ClinVar:

ClinVar aggregate classification (germline): Uncertain significance (1 of 4 stars; one submission).

Conditions:
Usher syndrome type 3. Also called: Usher Syndrome, Type III. Identifiers: Orphanet 231183, MedGen C1568248, MONDO:0016485.

Submission:

Myriad Genetics, Inc.
Classification: Uncertain significance for Usher syndrome type 3. Last evaluated: 2025-08-12. Review status: criteria provided, single submitter. Criteria: Myriad Autosomal Dominant, Autosomal Recessive and X-Linked Classification Criteria (2023). Collection method: clinical testing. Allele origin: unknown.
Comment: NM_174878.2(CLRN1):c.254-2182T>A is a missense variant classified as a variant of uncertain significance in the context of usher syndrome type 3. c.254-2182T>A has not been observed in cases with relevant disease. Relevant functional assessments of this variant are not available in the literature. c.254-2182T>A has not been observed in referenced population frequency databases. In summary, there is insufficient evidence to classify NM_174878.2(CLRN1):c.254-2182T>A as pathogenic or benign. Please note: this variant was assessed in the context of healthy population screening.

NM_174878.3(CLRN1):c.254-2182T>A

Gene: CLRN1 (clarin 1; minus strand). Cytogenetic location: 3q25.1.
Variant type: single nucleotide variant.
Coding change: c.254-2182T>A on transcript NM_174878.3 (MANE Select); 2182 bases into the intron before coding-DNA position 254, T replaced by A.
Molecular consequence: intron variant. On other transcripts: nonsense (1), 5 prime UTR variant (1).
Genome position (GRCh38, 1-based): chr3:150,943,943, A>T on the plus strand (T>A on the coding strand, the complement: CLRN1 is on the minus strand). VCF-style: chr3-150943943-A-T. GRCh37 (hg19) VCF-style: chr3-150661730-A-T.
Other names: c.302T>A, p.Leu101Ter (NM_001256819.2); c.-99T>A (NM_052995.2); c.254-2182T>A (NM_001195794.1); short protein forms L101*.
Identifiers: ClinVar variation 5003861 (VCV005003861.1).
Genomic context (GRCh38, chr3:150,943,943, plus strand): 5'-TCCTGCACTCGTTCACTCGTGTGCTCCCTCCTGCAAGAGGTTGAGCAGGGCAGGCTGAGT[A>T]AATGGGGTACCCCTGTTGGGAGTCCCATGAAGGGGTCAAGAAAATAGCCTGCATCAACAA-3'